The following is an entry in ClinVar:

NM_024577.4(SH3TC2):c.1653C>T (p.Phe551=)

Gene: SH3TC2 (SH3 domain and tetratricopeptide repeats 2; minus strand). Cytogenetic location: 5q32.
Variant type: single nucleotide variant.
Coding change: c.1653C>T on transcript NM_024577.4 (MANE Select); coding-DNA position 1653, C replaced by T.
Protein change: p.Phe551=; no amino-acid change (phenylalanine 551 retained).
Molecular consequence: synonymous variant.
Genome position (GRCh38, 1-based): chr5:149,028,079, G>A on the plus strand (C>T on the coding strand, the complement: SH3TC2 is on the minus strand). VCF-style: chr5-149028079-G-A. GRCh37 (hg19) VCF-style: chr5-148407642-G-A.
Identifiers: ClinVar variation 392355 (VCV000392355.18), dbSNP rs538871220, ClinGen allele CA3499143.
Genomic context (GRCh38, chr5:149,028,079, plus strand): 5'-CAGAGTGGCCACCAAGGATAGGTCCTCAAATGCTCCATTGAGAATGTGGATGGCCTCCTC[G>A]AAGTACACCCTGGCCTGAGAGAGTTTGACCTTCCTGATGCTCAGCCGGCCCAGGAGGAAG-3'
Protein context (NP_078853.2, residues 541-561): KVKLSQARVY[Phe551=]EEAIHILNGA

ClinVar aggregate classification (germline): Benign/Likely benign. Review status: criteria provided, multiple submitters, no conflicts (2 of 4 stars). 5 submissions from 5 submitters: Benign (1); Likely benign (3). 1 of the submissions does not count toward it. Last evaluated 2026-01-20.

Conditions:
Charcot-Marie-Tooth disease type 4. Also called: Charcot-Marie-Tooth disease, type IV; Charcot-Marie-Tooth, Type 4. Identifiers: Orphanet 64749, MedGen C4082197, MONDO:0018995.
Inborn genetic diseases. Identifiers: MedGen C0950123, MeSH D030342.
SH3TC2-related disorder. Also called: SH3TC2-related disorders; SH3TC2-related condition. Identifiers: MedGen CN239303.

Allele frequency attached by ClinVar (database versions not stated): gnomAD 0.00005 and 0.00007; gnomAD exomes 0.00005 and 0.00022; TOPMed 0.00008; ExAC 0.00014; 1000 Genomes Project 30x 0.00047; 1000 Genomes Project 0.00060.
gnomAD v4.1: 90 of 1,614,072 alleles (0.0056%); highest among the groups gnomAD compares: East Asian, 0.17%; 1 homozygote.

Submissions (5):

Labcorp Genetics (formerly Invitae), Labcorp
Classification: Benign for Charcot-Marie-Tooth disease type 4. Last evaluated: 2026-01-20. Review status: criteria provided, single submitter. Criteria: Invitae Variant Classification Sherloc (09022015). Collection method: clinical testing. Allele origin: germline.

Blueprint Genetics
Classification: Likely benign. Last evaluated: 2024-03-25. Review status: criteria provided, single submitter. Criteria: ACMG Guidelines, 2015. Collection method: clinical testing. Allele origin: germline.

Ambry Genetics
Classification: Likely benign for Inborn genetic diseases. Last evaluated: 2019-07-11. Review status: criteria provided, single submitter. Criteria: Ambry Variant Classification Scheme 2023. Collection method: clinical testing. Allele origin: germline.

GeneDx
Classification: Likely benign. Last evaluated: 2018-09-10. Review status: criteria provided, single submitter. Criteria: GeneDx Variant Classification Process June 2021. Collection method: clinical testing. Allele origin: germline. Affected: yes.

PreventionGenetics, part of Exact Sciences
Classification: Likely benign for SH3TC2-related condition. Last evaluated: 2019-06-19. Review status: no assertion criteria provided. Collection method: clinical testing. Allele origin: germline. Not counted in ClinVar's aggregate classification.
Comment: This variant is classified as likely benign based on ACMG/AMP sequence variant interpretation guidelines (Richards et al. 2015 PMID: 25741868, with internal and published modifications).